The following is an entry in ClinVar:

NM_170606.3(KMT2C):c.6242C>T (p.Pro2081Leu)

Gene: KMT2C (lysine methyltransferase 2C; minus strand). Cytogenetic location: 7q36.1.
Variant type: single nucleotide variant.
Coding change: c.6242C>T on transcript NM_170606.3 (MANE Select); coding-DNA position 6242, C replaced by T.
Protein change: p.Pro2081Leu; replaces proline 2081 with leucine.
Molecular consequence: missense variant.
Genome position (GRCh38, 1-based): chr7:152,181,618, G>A on the plus strand (C>T on the coding strand, the complement: KMT2C is on the minus strand). VCF-style: chr7-152181618-G-A. GRCh37 (hg19) VCF-style: chr7-151878703-G-A.
Other names: c.6242C>T (NM_170606.2); short protein forms P2081L.
Identifiers: ClinVar variation 1351674 (VCV001351674.9), dbSNP rs2129120124, ClinGen allele CA370095862.

ClinVar aggregate classification (germline): Uncertain significance. Review status: criteria provided, multiple submitters, no conflicts (2 of 4 stars). 2 submissions from 2 submitters: Uncertain significance (2). Last evaluated 2025-11-23.

Allele frequency attached by ClinVar (database versions not stated): gnomAD exomes below 0.00001.
gnomAD v4.1: 4 of 1,614,098 alleles (0.00025%); highest among the groups gnomAD compares: Non-Finnish European, 0.00034%; no homozygotes.

Submissions (2):

GeneDx
Classification: Uncertain significance. Last evaluated: 2025-11-23. Review status: criteria provided, single submitter. Criteria: GeneDx Variant Classification Process June 2021. Collection method: clinical testing. Allele origin: germline.
Comment: Not observed at significant frequency in large population cohorts (gnomAD); In silico analysis supports that this missense variant has a deleterious effect on protein structure/function; Has not been previously published as pathogenic or benign to our knowledge

Labcorp Genetics (formerly Invitae), Labcorp
Classification: Uncertain significance. Last evaluated: 2022-03-09. Review status: criteria provided, single submitter. Criteria: Invitae Variant Classification Sherloc (09022015). Collection method: clinical testing. Allele origin: germline.
Comment: This sequence change replaces proline, which is neutral and non-polar, with leucine, which is neutral and non-polar, at codon 2081 of the KMT2C protein (p.Pro2081Leu). This variant is not present in population databases (gnomAD no frequency). In summary, the available evidence is currently insufficient to determine the role of this variant in disease. Therefore, it has been classified as a Variant of Uncertain Significance. Algorithms developed to predict the effect of missense changes on protein structure and function are either unavailable or do not agree on the potential impact of this missense change (SIFT: "Deleterious"; PolyPhen-2: "Probably Damaging"; Align-GVGD: "Class C0"). This variant has not been reported in the literature in individuals affected with KMT2C-related conditions.